The following is an entry in ClinVar:

NM_000038.6(APC):c.1313-10del

Gene: APC (APC regulator of Wnt signaling pathway; plus strand). Cytogenetic location: 5q22.2.
Variant type: Deletion.
Coding change: c.1313-10del on transcript NM_000038.6 (MANE Select); 10 bases into the intron before coding-DNA position 1313, one base deleted (T; older notation c.1313-10delT).
Molecular consequence: intron variant.
Genome position (GRCh38, 1-based): chr5:112,821,886, T deleted; the last of 4 consecutive T bases (chr5:112,821,883-112,821,886); deleting any one gives the same sequence. VCF-style (leftmost placement, unchanged base first): chr5-112821882-AT-A. GRCh37 (hg19) VCF-style: chr5-112157579-AT-A.
Other names: c.1313-10del (NM_001354895.2, NM_001127510.3, NM_001354896.2); c.1343-10del (NM_001354897.2); c.1040-10del (NM_001354902.2); c.1259-10del (NM_001127511.3); c.1238-10del (NM_001354898.2); c.935-10del (NM_001354904.2); c.464-10del (NM_001354906.2); c.1010-10del (NM_001354903.2); and 3 more.
Identifiers: ClinVar variation 2197881 (VCV002197881.5), dbSNP rs2533105222, ClinGen allele CA2580072584.

ClinVar aggregate classification (germline): Benign/Likely benign. Review status: criteria provided, multiple submitters, no conflicts (2 of 4 stars). 2 submissions from 2 submitters: Benign (1); Likely benign (1). Last evaluated 2024-03-01.

Conditions:
Familial adenomatous polyposis 1 (FAP1). Also called: POLYPOSIS, ADENOMATOUS INTESTINAL; FAMILIAL ADENOMATOUS POLYPOSIS 1, ATTENUATED. Identifiers: MedGen C2713442, MONDO:0021056, OMIM 175100. Disease mechanism: loss of function.

Submissions (2):

Myriad Genetics, Inc.
Classification: Likely benign for Familial adenomatous polyposis 1. Last evaluated: 2024-03-01. Review status: criteria provided, single submitter. Criteria: Myriad Autosomal Dominant, Autosomal Recessive and X-Linked Classification Criteria (2023). Collection method: clinical testing. Allele origin: unknown.
Comment: This variant is considered likely benign. This variant is intronic and is not expected to impact mRNA splicing.

Labcorp Genetics (formerly Invitae), Labcorp
Classification: Benign for Familial adenomatous polyposis 1. Last evaluated: 2022-06-16. Review status: criteria provided, single submitter. Criteria: Invitae Variant Classification Sherloc (09022015). Collection method: clinical testing. Allele origin: germline.